The following is an entry in ClinVar:

NC_000020.10:g.(?_19977381)_(19980176_?)del

Gene: RIN2 (Ras and Rab interactor 2; plus strand). Cytogenetic location: 20p11.23.
Variant type: Deletion.
Identifiers: ClinVar variation 2426503 (VCV002426503.4).

ClinVar aggregate classification (germline): Uncertain significance (1 of 4 stars; one submission).

Submission:

Labcorp Genetics (formerly Invitae), Labcorp
Classification: Uncertain significance. Last evaluated: 2022-06-22. Review status: criteria provided, single submitter. Criteria: Invitae Variant Classification Sherloc (09022015). Collection method: clinical testing. Allele origin: germline.
Comment: In summary, the available evidence is currently insufficient to determine the role of this variant in disease. Therefore, it has been classified as a Variant of Uncertain Significance. Variants that disrupt the consensus splice site are a relatively common cause of aberrant splicing (PMID: 17576681, 9536098). This variant has not been reported in the literature in individuals affected with RIN2-related conditions. This variant results in the deletion of part of exon 10 (c.2259_2365-1081del) of the RIN2 gene. While this variant is not anticipated to result in nonsense mediated decay, it likely alters RNA splicing and results in a disrupted protein product.

Literature cited by the submitters: PubMed 17576681; PubMed 9536098.